The following is an entry in ClinVar:

NM_003742.4(ABCB11):c.3362C>T (p.Thr1121Ile)

Gene: ABCB11 (ATP binding cassette subfamily B member 11; minus strand). Cytogenetic location: 2q31.1.
Variant type: single nucleotide variant.
Coding change: c.3362C>T on transcript NM_003742.4 (MANE Select); coding-DNA position 3362, C replaced by T.
Protein change: p.Thr1121Ile; replaces threonine 1121 with isoleucine.
Molecular consequence: missense variant.
Genome position (GRCh38, 1-based): chr2:168,930,714, G>A on the plus strand (C>T on the coding strand, the complement: ABCB11 is on the minus strand). VCF-style: chr2-168930714-G-A. GRCh37 (hg19) VCF-style: chr2-169787224-G-A.
Other names: short protein forms T1121I.
Identifiers: ClinVar variation 4846184 (VCV004846184.1).

ClinVar aggregate classification (germline): Uncertain significance (1 of 4 stars; one submission).

Conditions:
Familial intrahepatic cholestasis. Identifiers: Orphanet 284385, MedGen CN296401, MONDO:0017290.

Submission:

Genomenon, Inc
Classification: Uncertain significance for Familial intrahepatic cholestasis. Last evaluated: 2026-04-14. Review status: criteria provided, single submitter. Criteria: Genomenon Sequence Variant Interpretation Standards - Updated. Collection method: curation. Allele origin: germline. Affected: yes.
Comment: ABCB11 p.Thr1121Ile (c.3362C>T) is a missense variant that changes the amino acid at residue 1121 from Threonine to Isoleucine. This variant has been observed in at least one proband with an ABCB11-related disorder (PMID:36995996). It is absent or not present at a significant frequency in gnomAD. In silico models predict that this variant is possibly or probably damaging. In conclusion, we classify ABCB11 p.Thr1121Ile (c.3362C>T) as a variant of uncertain significance.

Literature cited by the submitters: PubMed 36995996.